The following is an entry in ClinVar:

NM_002661.5(PLCG2):c.2486C>T (p.Thr829Ile)

Gene: PLCG2 (phospholipase C gamma 2; plus strand). Cytogenetic location: 16q23.3.
Variant type: single nucleotide variant.
Coding change: c.2486C>T on transcript NM_002661.5 (MANE Select); coding-DNA position 2486, C replaced by T.
Protein change: p.Thr829Ile; replaces threonine 829 with isoleucine.
Molecular consequence: missense variant.
Genome position (GRCh38, 1-based): chr16:81,927,150, C>T. VCF-style: chr16-81927150-C-T. GRCh37 (hg19) VCF-style: chr16-81960755-C-T.
Other names: short protein forms T829I.
Identifiers: ClinVar variation 1177850 (VCV001177850.12), dbSNP rs767593863, ClinGen allele CA8194290.

ClinVar aggregate classification (germline): Conflicting classifications of pathogenicity. Review status: criteria provided, conflicting classifications (1 of 4 stars). 3 submissions from 3 submitters: Uncertain significance (1); Likely benign (2). Last evaluated 2025-12-30.

Conditions:
Familial cold autoinflammatory syndrome 3 (FCAS3). Also called: FAMILIAL ATYPICAL COLD URTICARIA; ANTIBODY DEFICIENCY AND IMMUNE DYSREGULATION, PLCG2-ASSOCIATED. Identifiers: Orphanet 300359, MedGen C3280914, MONDO:0013766, OMIM 614468.

Allele frequency attached by ClinVar (database versions not stated): ExAC 0.00002; gnomAD 0.00002 and 0.00003; gnomAD exomes 0.00004; TOPMed 0.00004.
gnomAD v4.1: 42 of 1,613,202 alleles (0.0026%); highest among the groups gnomAD compares: Admixed American, 0.0067%; 1 homozygote.

Submissions (3):

Labcorp Genetics (formerly Invitae), Labcorp
Classification: Uncertain significance for Familial cold autoinflammatory syndrome 3. Last evaluated: 2025-12-30. Review status: criteria provided, single submitter. Criteria: Invitae Variant Classification Sherloc (09022015). Collection method: clinical testing. Allele origin: germline.
Comment: This sequence change replaces threonine, which is neutral and polar, with isoleucine, which is neutral and non-polar, at codon 829 of the PLCG2 protein (p.Thr829Ile). This variant is present in population databases (rs767593863, gnomAD 0.01%). This variant has not been reported in the literature in individuals affected with PLCG2-related conditions. ClinVar contains an entry for this variant (Variation ID: 1177850). An algorithm developed to predict the effect of missense changes on protein structure and function (PolyPhen-2) suggests that this variant is likely to be tolerated. In summary, the available evidence is currently insufficient to determine the role of this variant in disease. Therefore, it has been classified as a Variant of Uncertain Significance.

CeGaT Center for Human Genetics Tuebingen
Classification: Likely benign. Last evaluated: 2025-12-01. Review status: criteria provided, single submitter. Criteria: CeGaT Center For Human Genetics Tuebingen Variant Classification Criteria Version 2. Collection method: clinical testing. Allele origin: germline. Affected: yes. Observed: 1 variant allele.
Comment: PLCG2: BP4

GeneDx
Classification: Likely benign. Last evaluated: 2019-07-11. Review status: criteria provided, single submitter. Criteria: GeneDx Variant Classification Process June 2021. Collection method: clinical testing. Allele origin: germline. Affected: yes.
Comment: In silico analysis supports that this missense variant does not alter protein structure/function; Has not been previously published as pathogenic or benign to our knowledge